The following is an entry in ClinVar:

ClinVar aggregate classification (germline): Uncertain significance. Review status: criteria provided, multiple submitters, no conflicts (2 of 4 stars). 3 submissions from 3 submitters: Uncertain significance (3). Last evaluated 2025-06-13.

Allele frequency attached by ClinVar (database versions not stated): ExAC 0.00010; 1000 Genomes Project 30x 0.00016; ESP Exome Variant Server 0.00016; 1000 Genomes Project 0.00020; gnomAD 0.00027; TOPMed 0.00031.
gnomAD v4.1: 76 of 1,574,050 alleles (0.0048%); highest among the groups gnomAD compares: African/African-American, 0.093%; no homozygotes.

Submissions (3):

Labcorp Genetics (formerly Invitae), Labcorp
Classification: Uncertain significance. Last evaluated: 2025-06-13. Review status: criteria provided, single submitter. Criteria: Invitae Variant Classification Sherloc (09022015). Collection method: clinical testing. Allele origin: germline.
Comment: This sequence change replaces threonine, which is neutral and polar, with lysine, which is basic and polar, at codon 1389 of the SIPA1L3 protein (p.Thr1389Lys). This variant is present in population databases (rs373402030, gnomAD 0.1%), and has an allele count higher than expected for a pathogenic variant. This variant has not been reported in the literature in individuals affected with SIPA1L3-related conditions. ClinVar contains an entry for this variant (Variation ID: 2169821). An algorithm developed to predict the effect of missense changes on protein structure and function (PolyPhen-2) suggests that this variant is likely to be tolerated. In summary, the available evidence is currently insufficient to determine the role of this variant in disease. Therefore, it has been classified as a Variant of Uncertain Significance.

Ambry Genetics
Classification: Uncertain significance. Last evaluated: 2024-06-11. Review status: criteria provided, single submitter. Criteria: Ambry Variant Classification Scheme 2023. Collection method: clinical testing. Allele origin: germline.

Blueprint Genetics
Classification: Uncertain significance. Last evaluated: 2021-10-18. Review status: criteria provided, single submitter. Criteria: ACMG Guidelines, 2015. Collection method: clinical testing. Allele origin: germline.

NM_015073.3(SIPA1L3):c.4166C>A (p.Thr1389Lys)

Gene: SIPA1L3 (signal induced proliferation associated 1 like 3; plus strand). Cytogenetic location: 19q13.13.
Variant type: single nucleotide variant.
Coding change: c.4166C>A on transcript NM_015073.3 (MANE Select); coding-DNA position 4166, C replaced by A.
Protein change: p.Thr1389Lys; replaces threonine 1389 with lysine.
Molecular consequence: missense variant.
Genome position (GRCh38, 1-based): chr19:38,164,864, C>A. VCF-style: chr19-38164864-C-A. GRCh37 (hg19) VCF-style: chr19-38655504-C-A.
Other names: c.4166C>A (NM_015073.1); short protein forms T1389K.
Identifiers: ClinVar variation 2169821 (VCV002169821.4), dbSNP rs373402030, ClinGen allele CA9410229.
Genomic context (GRCh38, chr19:38,164,864, plus strand): 5'-TTGCCGGCCAAAGCAAGGGCTACCGACCGAAGCTGTACTCCTCCGGCTCCAGCACCCCCA[C>A]GGGACTGGCGGGGGGCAGCCGAGACCCACCGAGGCAGCCCAGGTAAGCTGTTGCACCTAG-3'
Protein context (NP_055888.1, residues 1379-1399): KLYSSGSSTP[Thr1389Lys]GLAGGSRDPP